The following is an entry in ClinVar:

NM_004523.4(KIF11):c.2875T>G (p.Leu959Val)

Gene: KIF11 (kinesin family member 11; plus strand). Cytogenetic location: 10q23.33.
Variant type: single nucleotide variant.
Coding change: c.2875T>G on transcript NM_004523.4 (MANE Select); coding-DNA position 2875, T replaced by G.
Protein change: p.Leu959Val; replaces leucine 959 with valine.
Molecular consequence: missense variant.
Genome position (GRCh38, 1-based): chr10:92,649,939, T>G. VCF-style: chr10-92649939-T-G. GRCh37 (hg19) VCF-style: chr10-94409696-T-G.
Other names: short protein forms L959V.
Identifiers: ClinVar variation 5000139 (VCV005000139.1).
Genomic context (GRCh38, chr10:92,649,939, plus strand): 5'-GTAAGAACTGAACCACGTGAACATCTCCTTGATCAGCTGAAAAGGAAACAGCCTGAGCTG[T>G]TAATGATGCTAAACTGTTCAGAAAACAACAAAGAAGAGACAATTCCGGTAAATTTAAAGG-3'
Protein context (NP_004514.2, residues 949-969): DQLKRKQPEL[Leu959Val]MMLNCSENNK

ClinVar aggregate classification (germline): Uncertain significance (1 of 4 stars; one submission).

Conditions:
KIF11-related disorder. Also called: KIF11-related condition.

gnomAD v4.1: 3 of 1,613,556 alleles (0.00019%); highest among the groups gnomAD compares: African/African-American, 0.004%; no homozygotes.

Submission:

PreventionGenetics, part of Exact Sciences
Classification: Uncertain significance for KIF11-related condition. Last evaluated: 2025-02-06. Review status: criteria provided, single submitter. Criteria: ACMG Guidelines, 2015. Collection method: clinical testing. Allele origin: germline.
Comment: The KIF11 c.2875T>G variant is predicted to result in the amino acid substitution p.Leu959Val. To our knowledge, this variant has not been reported in the literature. This variant is present in 0.0062% of alleles in individuals of African descent in gnomAD. At this time, the clinical significance of this variant is uncertain due to the absence of conclusive functional and genetic evidence.